The following is an entry in ClinVar:

NM_033100.4(CDHR1):c.862G>A (p.Gly288Arg)

Gene: CDHR1 (cadherin related family member 1; plus strand). Cytogenetic location: 10q23.1.
Variant type: single nucleotide variant.
Coding change: c.862G>A on transcript NM_033100.4 (MANE Select); coding-DNA position 862, G replaced by A.
Protein change: p.Gly288Arg; replaces glycine 288 with arginine.
Molecular consequence: missense variant.
Genome position (GRCh38, 1-based): chr10:84,204,605, G>A. VCF-style: chr10-84204605-G-A. GRCh37 (hg19) VCF-style: chr10-85964361-G-A.
Other names: c.862G>A, p.Gly288Arg (NM_001171971.3); short protein forms G288R.
Identifiers: ClinVar variation 941151 (VCV000941151.9), dbSNP rs1842191878, ClinGen allele CA377373539.

ClinVar aggregate classification (germline): Uncertain significance (1 of 4 stars; one submission).

Allele frequency attached by ClinVar (database versions not stated): gnomAD exomes below 0.00001.
gnomAD v4.1: 5 of 1,610,804 alleles (0.00031%); highest among the groups gnomAD compares: Non-Finnish European, 0.00042%; no homozygotes.

Submission:

Labcorp Genetics (formerly Invitae), Labcorp
Classification: Uncertain significance. Last evaluated: 2022-02-23. Review status: criteria provided, single submitter. Criteria: Invitae Variant Classification Sherloc (09022015). Collection method: clinical testing. Allele origin: germline.
Comment: In summary, the available evidence is currently insufficient to determine the role of this variant in disease. Therefore, it has been classified as a Variant of Uncertain Significance. Variants that disrupt the consensus splice site are a relatively common cause of aberrant splicing (PMID: 17576681, 9536098). Algorithms developed to predict the effect of sequence changes on RNA splicing suggest that this variant may disrupt the consensus splice site. Algorithms developed to predict the effect of missense changes on protein structure and function are either unavailable or do not agree on the potential impact of this missense change (SIFT: "Deleterious"; PolyPhen-2: "Possibly Damaging"; Align-GVGD: "Class C0"). ClinVar contains an entry for this variant (Variation ID: 941151). This variant has not been reported in the literature in individuals affected with CDHR1-related conditions. This variant is not present in population databases (gnomAD no frequency). This sequence change replaces glycine, which is neutral and non-polar, with arginine, which is basic and polar, at codon 288 of the CDHR1 protein (p.Gly288Arg). This variant also falls at the last nucleotide of exon 9, which is part of the consensus splice site for this exon.

Literature cited by the submitters: PubMed 17576681; PubMed 9536098.